The following is an entry in ClinVar:

ClinVar aggregate classification (germline): Uncertain significance (1 of 4 stars; one submission).

gnomAD v4.1: 2 of 1,549,376 alleles (0.00013%); highest among the groups gnomAD compares: African/African-American, 0.0014%; no homozygotes.

Submission:

Labcorp Genetics (formerly Invitae), Labcorp
Classification: Uncertain significance. Last evaluated: 2025-11-09. Review status: criteria provided, single submitter. Criteria: Invitae Variant Classification Sherloc (09022015). Collection method: clinical testing. Allele origin: germline.
Comment: This sequence change replaces glycine, which is neutral and non-polar, with cysteine, which is neutral and slightly polar, at codon 192 of the TCIRG1 protein (p.Gly192Cys). This variant is not present in population databases (gnomAD no frequency). This variant has not been reported in the literature in individuals affected with TCIRG1-related conditions. Invitae Evidence Modeling of protein sequence and biophysical properties (such as structural, functional, and spatial information, amino acid conservation, physicochemical variation, residue mobility, and thermodynamic stability) indicates that this missense variant is expected to disrupt TCIRG1 protein function with a positive predictive value of 80%. In summary, the available evidence is currently insufficient to determine the role of this variant in disease. Therefore, it has been classified as a Variant of Uncertain Significance.

NM_006019.4(TCIRG1):c.574G>T (p.Gly192Cys)

Gene: TCIRG1 (T cell immune regulator 1, ATPase H+ transporting V0 subunit a3; plus strand). Cytogenetic location: 11q13.2.
Variant type: single nucleotide variant.
Coding change: c.574G>T on transcript NM_006019.4 (MANE Select); coding-DNA position 574, G replaced by T.
Protein change: p.Gly192Cys; replaces glycine 192 with cysteine.
Molecular consequence: missense variant. On other transcripts: 5 prime UTR variant (2), intron variant (7).
Genome position (GRCh38, 1-based): chr11:68,043,441, G>T. VCF-style: chr11-68043441-G-T. GRCh37 (hg19) VCF-style: chr11-67810908-G-T.
Other names: c.-337G>T (NM_001351059.2); c.574G>T, p.Gly192Cys (NM_001440552.1, NM_001440553.1, NM_001440554.1 and 4 more transcripts); c.532G>T, p.Gly178Cys (NM_001440555.1, NM_001440556.1, NM_001440563.1); c.274G>T, p.Gly92Cys (NM_001440565.1); c.-75G>T (NM_006053.4); c.503+410G>T (NM_001440569.1); c.418-130G>T (NM_001440561.1, NM_001440566.1, NM_001440562.1 and 1 more transcripts); c.376-130G>T (NM_001440564.1, NM_001440568.1); short protein forms G178C, G192C, G92C.
Identifiers: ClinVar variation 4737229 (VCV004737229.1).